The following is an entry in ClinVar:

NM_015267.4(CUX2):c.2101C>A (p.Arg701Ser)

Gene: CUX2 (cut like homeobox 2; plus strand). Cytogenetic location: 12q24.12.
Variant type: single nucleotide variant.
Coding change: c.2101C>A on transcript NM_015267.4 (MANE Select); coding-DNA position 2101, C replaced by A.
Protein change: p.Arg701Ser; replaces arginine 701 with serine.
Molecular consequence: missense variant.
Genome position (GRCh38, 1-based): chr12:111,320,110, C>A. VCF-style: chr12-111320110-C-A. GRCh37 (hg19) VCF-style: chr12-111757914-C-A.
Other names: c.1915C>A, p.Arg639Ser (NM_001370598.1); short protein forms R639S, R701S.
Identifiers: ClinVar variation 1709690 (VCV001709690.2), dbSNP rs912084400, ClinGen allele CA386711726.
Genomic context (GRCh38, chr12:111,320,110, plus strand): 5'-AACGGCACGACCCCCGCCAGCACCTCGGAGGACGCCATCAAGAGCATCCTGGAGCAGGCA[C>A]GCCGTGAGATGCAGGCGCAACAGCAGGCGCTGCTGGAGATGGAGGTGGCGCCCAGGGGCC-3'
Protein context (NP_056082.2, residues 691-711): DAIKSILEQA[Arg701Ser]REMQAQQQAL

ClinVar aggregate classification (germline): Uncertain significance (1 of 4 stars; one submission).

Conditions:
Developmental and epileptic encephalopathy, 67. Also called: EPILEPTIC ENCEPHALOPATHY, EARLY INFANTILE, 67. Identifiers: MedGen C4748341, MONDO:0029138, OMIM 618141.

Submission:

MGZ Medical Genetics Center
Classification: Uncertain significance for Developmental and epileptic encephalopathy, 67. Last evaluated: 2022-08-04. Review status: criteria provided, single submitter. Criteria: ACMG Guidelines, 2015. Collection method: clinical testing. Allele origin: germline. Affected: yes. Observed: 1 variant allele.
Comment: ACMG criteria applied: PS2_MOD, PM2_SUP, PP2